The following is an entry in ClinVar:

ClinVar aggregate classification (germline): Uncertain significance (1 of 4 stars; one submission).

Conditions:
Hajdu-Cheney syndrome (HJCYS). Also called: Acroosteolysis dominant type; ACROOSTEOLYSIS WITH OSTEOPOROSIS AND CHANGES IN SKULL AND MANDIBLE; SERPENTINE FIBULA-POLYCYSTIC KIDNEY SYNDROME. Identifiers: Orphanet 955, MedGen C0917715, MONDO:0007057, OMIM 102500.

Submission:

Labcorp Genetics (formerly Invitae), Labcorp
Classification: Uncertain significance for Hajdu-Cheney syndrome. Last evaluated: 2024-08-10. Review status: criteria provided, single submitter. Criteria: Invitae Variant Classification Sherloc (09022015). Collection method: clinical testing. Allele origin: germline.
Comment: This sequence change replaces threonine, which is neutral and polar, with alanine, which is neutral and non-polar, at codon 2165 of the NOTCH2 protein (p.Thr2165Ala). This variant is not present in population databases (gnomAD no frequency). This variant has not been reported in the literature in individuals affected with NOTCH2-related conditions. Advanced modeling of protein sequence and biophysical properties (such as structural, functional, and spatial information, amino acid conservation, physicochemical variation, residue mobility, and thermodynamic stability) performed at Invitae indicates that this missense variant is not expected to disrupt NOTCH2 protein function with a negative predictive value of 95%. In summary, the available evidence is currently insufficient to determine the role of this variant in disease. Therefore, it has been classified as a Variant of Uncertain Significance.

NM_024408.4(NOTCH2):c.6493A>G (p.Thr2165Ala)

Gene: NOTCH2 (notch receptor 2; minus strand). Cytogenetic location: 1p12.
Variant type: single nucleotide variant.
Coding change: c.6493A>G on transcript NM_024408.4 (MANE Select); coding-DNA position 6493, A replaced by G.
Protein change: p.Thr2165Ala; replaces threonine 2165 with alanine.
Molecular consequence: missense variant.
Genome position (GRCh38, 1-based): chr1:119,916,229, T>C on the plus strand (A>G on the coding strand, the complement: NOTCH2 is on the minus strand). VCF-style: chr1-119916229-T-C. GRCh37 (hg19) VCF-style: chr1-120458852-T-C.
Other names: short protein forms T2165A.
Identifiers: ClinVar variation 3633600 (VCV003633600.2).